The following is an entry in ClinVar:

NM_001003722.2(GLE1):c.1170C>G (p.Tyr390Ter)

Gene: GLE1 (GLE1 RNA export mediator; plus strand). Cytogenetic location: 9q34.11.
Variant type: single nucleotide variant.
Coding change: c.1170C>G on transcript NM_001003722.2 (MANE Select); coding-DNA position 1170, C replaced by G.
Protein change: p.Tyr390Ter; replaces tyrosine 390 with a stop codon.
Molecular consequence: nonsense.
Genome position (GRCh38, 1-based): chr9:128,527,219, C>G. VCF-style: chr9-128527219-C-G. GRCh37 (hg19) VCF-style: chr9-131289498-C-G.
Other names: c.1170C>G, p.Tyr390Ter (NM_001499.2); short protein forms Y390*.
Identifiers: ClinVar variation 1456923 (VCV001456923.6), dbSNP rs2132472757, ClinGen allele CA375041671.

ClinVar aggregate classification (germline): Pathogenic (1 of 4 stars; one submission).

gnomAD v4.1: 1 of 1,610,614 alleles (0.000062%); highest among the groups gnomAD compares: Non-Finnish European, 0.000085%; no homozygotes.

Submission:

Labcorp Genetics (formerly Invitae), Labcorp
Classification: Pathogenic. Last evaluated: 2021-01-05. Review status: criteria provided, single submitter. Criteria: Invitae Variant Classification Sherloc (09022015). Collection method: clinical testing. Allele origin: germline.
Comment: This variant is not present in population databases (ExAC no frequency). This sequence change creates a premature translational stop signal (p.Tyr390*) in the GLE1 gene. It is expected to result in an absent or disrupted protein product. Loss-of-function variants in GLE1 are known to be pathogenic (PMID: 18204449, 24243016, 27684565). This variant has not been reported in the literature in individuals with GLE1-related conditions. For these reasons, this variant has been classified as Pathogenic.

Literature cited by the submitters: PubMed 18204449; PubMed 24243016; PubMed 27684565.